The following is an entry in ClinVar:

NM_001457.4(FLNB):c.*772C>T

Gene: FLNB (filamin B; plus strand). Cytogenetic location: 3p14.3.
Variant type: single nucleotide variant.
Coding change: c.*772C>T on transcript NM_001457.4 (MANE Select); 772 bases downstream of the stop codon, C replaced by T.
Molecular consequence: 3 prime UTR variant.
Genome position (GRCh38, 1-based): chr3:58,171,534, C>T. VCF-style: chr3-58171534-C-T. GRCh37 (hg19) VCF-style: chr3-58157261-C-T.
Other names: c.*772C>T (NM_001164317.2, NM_001164318.2, NM_001164319.2).
Identifiers: ClinVar variation 899787 (VCV000899787.4), dbSNP rs28364682, ClinGen allele CA75435929.

ClinVar aggregate classification (germline): Likely benign (1 of 4 stars; one submission).

Conditions:
FLNB-Related Spectrum Disorders.

Allele frequency attached by ClinVar (database versions not stated): TOPMed 0.00003; gnomAD 0.00004 and 0.00016; 1000 Genomes Project 30x 0.00156; 1000 Genomes Project 0.00220.

Submission:

Illumina Laboratory Services, Illumina
Classification: Likely benign for FLNB-Related Spectrum Disorders. Last evaluated: 2018-01-13. Review status: criteria provided, single submitter. Criteria: ICSL Variant Classification Criteria 13 December 2019. Collection method: clinical testing. Allele origin: germline.
Comment: This variant was observed in the ICSL laboratory as part of a predisposition screen in an ostensibly healthy population. It had not been previously curated by ICSL or reported in the Human Gene Mutation Database (HGMD: prior to June 1st, 2018), and was therefore a candidate for classification through an automated scoring system. Utilizing variant allele frequency, disease prevalence and penetrance estimates, and inheritance mode, an automated score was calculated to assess if this variant is too frequent to cause the disease. Based on the score and internal cut-off values, a variant classified as likely benign is not then subjected to further curation. The score for this variant resulted in a classification of likely benign for this disease.